The following is an entry in ClinVar:

ClinVar aggregate classification (germline): Uncertain significance (1 of 4 stars; one submission).

Submission:

GeneDx
Classification: Uncertain significance. Last evaluated: 2019-10-31. Review status: criteria provided, single submitter. Criteria: GeneDx Variant Classification Process June 2021. Collection method: clinical testing. Allele origin: germline. Affected: yes.
Comment: Not observed at a significant frequency in large population cohorts (Lek et al., 2016); In-frame deletion of 1 amino acids in a non-repeat region; In silico analysis, which includes protein predictors and evolutionary conservation, supports a deleterious effect; Has not been previously published as pathogenic or benign to our knowledge

NM_004977.3(KCNC3):c.405CTT[1] (p.Phe137del)

Gene: KCNC3 (potassium voltage-gated channel subfamily C member 3; minus strand). Cytogenetic location: 19q13.33.
Variant type: Microsatellite.
Coding change: c.405CTT[1] on transcript NM_004977.3 (MANE Select); one copy of the 3-base unit CTT starting at c.405; the reference has two copies in a row; one copy, 3 bases deleted.
Protein change: p.Phe137del; deletes phenylalanine 137.
Molecular consequence: inframe deletion.
Genome position (GRCh38, 1-based): chr19:50,328,673-50,328,675, AAG deleted on the plus strand (CTT on the coding strand, the reverse complement: KCNC3 is on the minus strand); deleting any 3 consecutive bases within chr19:50,328,673-50,328,680 gives the same sequence; the position shown is the placement nearest the transcript's 3' end. VCF-style (leftmost placement, unchanged base first): chr19-50328672-AAAG-A. GRCh37 (hg19) VCF-style: chr19-50831929-AAAG-A.
Other names: c.177CTT[1], p.Phe61del (NM_001372305.1); short protein forms F137del, F61del.
Identifiers: ClinVar variation 1309956 (VCV001309956.2), dbSNP rs1179595925, ClinGen allele CA633896938.